The following is an entry in ClinVar:

ClinVar aggregate classification (germline): Uncertain significance (1 of 4 stars; one submission).

Submission:

Labcorp Genetics (formerly Invitae), Labcorp
Classification: Uncertain significance. Last evaluated: 2022-04-24. Review status: criteria provided, single submitter. Criteria: Invitae Variant Classification Sherloc (09022015). Collection method: clinical testing. Allele origin: germline.
Comment: In summary, the available evidence is currently insufficient to determine the role of this variant in disease. Therefore, it has been classified as a Variant of Uncertain Significance. Algorithms developed to predict the effect of missense changes on protein structure and function (SIFT, PolyPhen-2, Align-GVGD) all suggest that this variant is likely to be tolerated. This variant has not been reported in the literature in individuals affected with MYO5B-related conditions. This variant is not present in population databases (gnomAD no frequency). This sequence change replaces histidine, which is basic and polar, with leucine, which is neutral and non-polar, at codon 593 of the MYO5B protein (p.His593Leu).

NM_001080467.3(MYO5B):c.1778A>T (p.His593Leu)

Gene: MYO5B (myosin VB; minus strand). Cytogenetic location: 18q21.1.
Variant type: single nucleotide variant.
Coding change: c.1778A>T on transcript NM_001080467.3 (MANE Select); coding-DNA position 1778, A replaced by T.
Protein change: p.His593Leu; replaces histidine 593 with leucine.
Molecular consequence: missense variant.
Genome position (GRCh38, 1-based): chr18:49,937,372, T>A on the plus strand (A>T on the coding strand, the complement: MYO5B is on the minus strand). VCF-style: chr18-49937372-T-A. GRCh37 (hg19) VCF-style: chr18-47463742-T-A.
Other names: short protein forms H593L.
Identifiers: ClinVar variation 2130308 (VCV002130308.4), dbSNP rs372264584, ClinGen allele CA402446043.